The following is an entry in ClinVar:

ClinVar aggregate classification (germline): Uncertain significance (1 of 4 stars; one submission).

gnomAD v4.1: 4 of 1,609,344 alleles (0.00025%); highest among the groups gnomAD compares: Admixed American, 0.0017%; no homozygotes.

Submission:

Labcorp Genetics (formerly Invitae), Labcorp
Classification: Uncertain significance. Last evaluated: 2023-04-06. Review status: criteria provided, single submitter. Criteria: Invitae Variant Classification Sherloc (09022015). Collection method: clinical testing. Allele origin: germline.
Comment: In summary, the available evidence is currently insufficient to determine the role of this variant in disease. Therefore, it has been classified as a Variant of Uncertain Significance. Advanced modeling of protein sequence and biophysical properties (such as structural, functional, and spatial information, amino acid conservation, physicochemical variation, residue mobility, and thermodynamic stability) performed at Invitae indicates that this missense variant is not expected to disrupt RHOBTB2 protein function. This variant has not been reported in the literature in individuals affected with RHOBTB2-related conditions. This variant is present in population databases (no rsID available, gnomAD 0.003%). This sequence change replaces glutamic acid, which is acidic and polar, with glutamine, which is neutral and polar, at codon 275 of the RHOBTB2 protein (p.Glu275Gln).

NM_015178.3(RHOBTB2):c.757G>C (p.Glu253Gln)

Gene: RHOBTB2 (Rho related BTB domain containing 2; plus strand). Cytogenetic location: 8p21.3.
Variant type: single nucleotide variant.
Coding change: c.757G>C on transcript NM_015178.3 (MANE Select); coding-DNA position 757, G replaced by C.
Protein change: p.Glu253Gln; replaces glutamic acid 253 with glutamine.
Molecular consequence: missense variant.
Genome position (GRCh38, 1-based): chr8:23,007,002, G>C. VCF-style: chr8-23007002-G-C. GRCh37 (hg19) VCF-style: chr8-22864515-G-C.
Other names: c.823G>C, p.Glu275Gln (NM_001160036.2); c.778G>C, p.Glu260Gln (NM_001160037.2); c.757G>C, p.Glu253Gln (NM_001374791.1); short protein forms E275Q, E253Q, E260Q.
Identifiers: ClinVar variation 2888418 (VCV002888418.3), dbSNP rs746932890, ClinGen allele CA370565505.